The following is an entry in ClinVar:

ClinVar aggregate classification (germline): Uncertain significance (1 of 4 stars; one submission).

Conditions:
Rhabdoid tumor predisposition syndrome 2 (RTPS2). Identifiers: Orphanet 231108, Orphanet 69077, MedGen C2750074, MONDO:0013224, OMIM 613325.

gnomAD v4.1: 1 of 1,614,020 alleles (0.000062%); highest among the groups gnomAD compares: Non-Finnish European, 0.000085%; no homozygotes.

Submission:

Labcorp Genetics (formerly Invitae), Labcorp
Classification: Uncertain significance for Rhabdoid tumor predisposition syndrome 2. Last evaluated: 2022-02-27. Review status: criteria provided, single submitter. Criteria: Invitae Variant Classification Sherloc (09022015). Collection method: clinical testing. Allele origin: germline.
Comment: In summary, the available evidence is currently insufficient to determine the role of this variant in disease. Therefore, it has been classified as a Variant of Uncertain Significance. Algorithms developed to predict the effect of missense changes on protein structure and function output the following: SIFT: "Tolerated"; PolyPhen-2: "Benign"; Align-GVGD: "Class C0". The leucine amino acid residue is found in multiple mammalian species, which suggests that this missense change does not adversely affect protein function. This variant has not been reported in the literature in individuals affected with SMARCA4-related conditions. This variant is not present in population databases (gnomAD no frequency). This sequence change replaces methionine, which is neutral and non-polar, with leucine, which is neutral and non-polar, at codon 98 of the SMARCA4 protein (p.Met98Leu).

NM_003072.5(SMARCA4):c.292A>T (p.Met98Leu)

Gene: SMARCA4 (SWI/SNF related BAF chromatin remodeling complex subunit ATPase 4; plus strand). Cytogenetic location: 19p13.2.
Variant type: single nucleotide variant.
Coding change: c.292A>T on transcript NM_003072.5 (MANE Select); coding-DNA position 292, A replaced by T.
Protein change: p.Met98Leu; replaces methionine 98 with leucine.
Molecular consequence: missense variant. On other transcripts: non-coding transcript variant (1).
Genome position (GRCh38, 1-based): chr19:10,985,342, A>T. VCF-style: chr19-10985342-A-T. GRCh37 (hg19) VCF-style: chr19-11096018-A-T.
Other names: c.292A>T, p.Met98Leu (NM_001128845.2, NM_001128846.2, NM_001128847.4 and 6 more transcripts); short protein forms M98L.
Identifiers: ClinVar variation 2104080 (VCV002104080.4), dbSNP rs2513970438, ClinGen allele CA404055233.